The following is an entry in ClinVar:

ClinVar aggregate classification (germline): Uncertain significance (1 of 4 stars; one submission).

Submission:

GeneDx
Classification: Uncertain significance. Last evaluated: 2026-03-22. Review status: criteria provided, single submitter. Criteria: GeneDx Variant Classification Process June 2021. Collection method: clinical testing. Allele origin: germline.
Comment: Not observed at significant frequency in large population cohorts (gnomAD); In silico analysis suggests that this missense variant does not alter protein structure/function; Has not been previously published as pathogenic or benign to our knowledge

NM_001013838.3(CARMIL2):c.1235T>C (p.Val412Ala)

Gene: CARMIL2 (capping protein regulator and myosin 1 linker 2; plus strand). Cytogenetic location: 16q22.1.
Variant type: single nucleotide variant.
Coding change: c.1235T>C on transcript NM_001013838.3 (MANE Select); coding-DNA position 1235, T replaced by C.
Protein change: p.Val412Ala; replaces valine 412 with alanine.
Molecular consequence: missense variant. On other transcripts: intron variant (3).
Genome position (GRCh38, 1-based): chr16:67,648,215, T>C. VCF-style: chr16-67648215-T-C. GRCh37 (hg19) VCF-style: chr16-67682118-T-C.
Other names: c.1150-23T>C (NM_001438835.1, NM_001438244.1, NM_001317026.3); short protein forms V412A.
Identifiers: ClinVar variation 5017232 (VCV005017232.1).